The following is an entry in ClinVar:

ClinVar aggregate classification (germline): Pathogenic (0 of 4 stars; one submission).

Conditions:
Alkaptonuria (AKU). Also called: Alkaptonuric ochronosis; Homogentisic acidura; Alcaptonuria; HOMOGENTISIC ACID OXIDASE DEFICIENCY. Identifiers: Orphanet 56, MedGen C0002066, MONDO:0008753, OMIM 203500.

Submission:

Department Of Human Genetics, Institute Of Clinical And Translational Research, Biomedical Research Center, Slovak Academy Of Sciences
Classification: Pathogenic for Alkaptonuria. Review status: no assertion criteria provided. Collection method: research. Allele origin: germline. Inheritance: Autosomal recessive inheritance. Affected: yes. Observed: 1 variant allele.
Comment: The variant was originally described in AKU patient in DOI 10.1515/jpem-2019-0163. It has been submitted to the HGD gene mutation database (DB-ID: AKU_00238).

Literature cited by the submitters: DOI org/10.1515/jpem-2019-0163.

NM_000187.4(HGD):c.946G>A (p.Val316Ile)

Gene: HGD (homogentisate 1,2-dioxygenase; minus strand). Cytogenetic location: 3q13.33.
Variant type: single nucleotide variant.
Coding change: c.946G>A on transcript NM_000187.4 (MANE Select); coding-DNA position 946, G replaced by A.
Protein change: p.Val316Ile; replaces valine 316 with isoleucine.
Molecular consequence: missense variant.
Genome position (GRCh38, 1-based): chr3:120,638,515, C>T on the plus strand (G>A on the coding strand, the complement: HGD is on the minus strand). VCF-style: chr3-120638515-C-T. GRCh37 (hg19) VCF-style: chr3-120357362-C-T.
Other names: short protein forms V316I.
Identifiers: ClinVar variation 2627725 (VCV002627725.1), dbSNP rs199927284, ClinGen allele CA354073543.